The following is an entry in ClinVar:

ClinVar aggregate classification (germline): Uncertain significance (1 of 4 stars; one submission).

Allele frequency attached by ClinVar (database versions not stated): ExAC 0.00003; gnomAD exomes 0.00004; gnomAD 0.00017 and 0.00019; ESP Exome Variant Server 0.00023.
gnomAD v4.1: 55 of 1,611,420 alleles (0.0034%); highest among the groups gnomAD compares: African/African-American, 0.056%; no homozygotes.

Submission:

Labcorp Genetics (formerly Invitae), Labcorp
Classification: Uncertain significance. Last evaluated: 2025-07-07. Review status: criteria provided, single submitter. Criteria: Invitae Variant Classification Sherloc (09022015). Collection method: clinical testing. Allele origin: germline.
Comment: This sequence change replaces alanine, which is neutral and non-polar, with valine, which is neutral and non-polar, at codon 180 of the DGAT1 protein (p.Ala180Val). This variant is present in population databases (rs139015645, gnomAD 0.06%). This variant has not been reported in the literature in individuals affected with DGAT1-related conditions. ClinVar contains an entry for this variant (Variation ID: 1394968). Invitae Evidence Modeling of protein sequence and biophysical properties (such as structural, functional, and spatial information, amino acid conservation, physicochemical variation, residue mobility, and thermodynamic stability) indicates that this missense variant is not expected to disrupt DGAT1 protein function with a negative predictive value of 80%. In summary, the available evidence is currently insufficient to determine the role of this variant in disease. Therefore, it has been classified as a Variant of Uncertain Significance.

NM_012079.6(DGAT1):c.539C>T (p.Ala180Val)

Gene: DGAT1 (diacylglycerol O-acyltransferase 1; minus strand). Cytogenetic location: 8q24.3.
Variant type: single nucleotide variant.
Coding change: c.539C>T on transcript NM_012079.6 (MANE Select); coding-DNA position 539, C replaced by T.
Protein change: p.Ala180Val; replaces alanine 180 with valine.
Molecular consequence: missense variant.
Genome position (GRCh38, 1-based): chr8:144,318,496, G>A on the plus strand (C>T on the coding strand, the complement: DGAT1 is on the minus strand). VCF-style: chr8-144318496-G-A. GRCh37 (hg19) VCF-style: chr8-145542159-G-A.
Other names: short protein forms A180V.
Identifiers: ClinVar variation 1394968 (VCV001394968.4), dbSNP rs139015645, ClinGen allele CA4937002.